The following is an entry in ClinVar:

NM_003200.5(TCF3):c.754G>T (p.Gly252Cys)

Gene: TCF3 (transcription factor 3; minus strand). Cytogenetic location: 19p13.3.
Variant type: single nucleotide variant.
Coding change: c.754G>T on transcript NM_003200.5 (MANE Select); coding-DNA position 754, G replaced by T.
Protein change: p.Gly252Cys; replaces glycine 252 with cysteine.
Molecular consequence: missense variant.
Genome position (GRCh38, 1-based): chr19:1,622,122, C>A on the plus strand (G>T on the coding strand, the complement: TCF3 is on the minus strand). VCF-style: chr19-1622122-C-A. GRCh37 (hg19) VCF-style: chr19-1622121-C-A.
Other names: c.754G>T, p.Gly252Cys (NM_001136139.4, NM_001351778.2, NM_001351779.2); short protein forms G252C.
Identifiers: ClinVar variation 1511887 (VCV001511887.6), dbSNP rs371753641, ClinGen allele CA403055596.

ClinVar aggregate classification (germline): Uncertain significance (1 of 4 stars; one submission).

Submission:

Labcorp Genetics (formerly Invitae), Labcorp
Classification: Uncertain significance. Last evaluated: 2021-08-11. Review status: criteria provided, single submitter. Criteria: Invitae Variant Classification Sherloc (09022015). Collection method: clinical testing. Allele origin: germline.
Comment: This sequence change replaces glycine with cysteine at codon 252 of the TCF3 protein (p.Gly252Cys). The glycine residue is weakly conserved and there is a large physicochemical difference between glycine and cysteine. This variant is not present in population databases (ExAC no frequency). This variant has not been reported in the literature in individuals affected with TCF3-related conditions. Algorithms developed to predict the effect of missense changes on protein structure and function are either unavailable or do not agree on the potential impact of this missense change (SIFT: "Not Available"; PolyPhen-2: "Probably Damaging"; Align-GVGD: "Not Available"). In summary, the available evidence is currently insufficient to determine the role of this variant in disease. Therefore, it has been classified as a Variant of Uncertain Significance.